The following is an entry in ClinVar:

NM_005585.5(SMAD6):c.1351G>C (p.Glu451Gln)

Gene: SMAD6 (SMAD family member 6; plus strand). Cytogenetic location: 15q22.31.
Variant type: single nucleotide variant.
Coding change: c.1351G>C on transcript NM_005585.5 (MANE Select); coding-DNA position 1351, G replaced by C.
Protein change: p.Glu451Gln; replaces glutamic acid 451 with glutamine.
Molecular consequence: missense variant. On other transcripts: non-coding transcript variant (1).
Genome position (GRCh38, 1-based): chr15:66,781,395, G>C. VCF-style: chr15-66781395-G-C. GRCh37 (hg19) VCF-style: chr15-67073733-G-C.
Other names: short protein forms E451Q.
Identifiers: ClinVar variation 3713116 (VCV003713116.2).
Genomic context (GRCh38, chr15:66,781,395, plus strand): 5'-CCCCCCGGCTACTCCATCAAGGTGTTCGACTTCGAGCGCTCGGGCCTGCAGCACGCGCCC[G>C]AGCCCGACGCCGCCGACGGCCCCTACGACCCCAACAGCGTCCGCATCAGCTTCGCCAAGG-3'
Protein context (NP_005576.3, residues 441-461): FERSGLQHAP[Glu451Gln]PDAADGPYDP

ClinVar aggregate classification (germline): Uncertain significance (1 of 4 stars; one submission).

Conditions:
Aortic valve disease 2 (AOVD2). Identifiers: MedGen C3542024, MONDO:0013902, OMIM 614823.

Submission:

Labcorp Genetics (formerly Invitae), Labcorp
Classification: Uncertain significance for Aortic valve disease 2. Last evaluated: 2024-04-12. Review status: criteria provided, single submitter. Criteria: Invitae Variant Classification Sherloc (09022015). Collection method: clinical testing. Allele origin: germline.
Comment: This sequence change replaces glutamic acid, which is acidic and polar, with glutamine, which is neutral and polar, at codon 451 of the SMAD6 protein (p.Glu451Gln). This variant is not present in population databases (gnomAD no frequency). This variant has not been reported in the literature in individuals affected with SMAD6-related conditions. Advanced modeling of protein sequence and biophysical properties (such as structural, functional, and spatial information, amino acid conservation, physicochemical variation, residue mobility, and thermodynamic stability) performed at Invitae indicates that this missense variant is not expected to disrupt SMAD6 protein function with a negative predictive value of 80%. In summary, the available evidence is currently insufficient to determine the role of this variant in disease. Therefore, it has been classified as a Variant of Uncertain Significance.